The following is an entry in ClinVar:

NM_001039469.3(MARK2):c.179G>A (p.Gly60Asp)

Gene: MARK2 (microtubule affinity regulating kinase 2; plus strand). Cytogenetic location: 11q13.1.
Variant type: single nucleotide variant.
Coding change: c.179G>A on transcript NM_001039469.3 (MANE Select); coding-DNA position 179, G replaced by A.
Protein change: p.Gly60Asp; replaces glycine 60 with aspartic acid.
Molecular consequence: missense variant.
Genome position (GRCh38, 1-based): chr11:63,895,283, G>A. VCF-style: chr11-63895283-G-A. GRCh37 (hg19) VCF-style: chr11-63662755-G-A.
Other names: c.179G>A, p.Gly60Asp (NM_001163296.2, NM_001163297.2, NM_004954.5); c.80G>A, p.Gly27Asp (NM_017490.4); short protein forms G27D, G60D.
Identifiers: ClinVar variation 4976569 (VCV004976569.1).

ClinVar aggregate classification (germline): Uncertain significance (1 of 4 stars; one submission).

Submission:

GeneDx
Classification: Uncertain significance. Last evaluated: 2026-02-19. Review status: criteria provided, single submitter. Criteria: GeneDx Variant Classification Process June 2021. Collection method: clinical testing. Allele origin: germline.
Comment: Not observed at significant frequency in large population cohorts (gnomAD); In silico analysis supports that this missense variant has a deleterious effect on protein structure/function; In silico analysis suggests this variant may impact gene splicing. In the absence of RNA/functional studies, the actual effect of this sequence change is unknown.; Has not been previously published as pathogenic or benign to our knowledge